The following is an entry in ClinVar:

NM_001845.6(COL4A1):c.343G>A (p.Gly115Ser)

Gene: COL4A1 (collagen type IV alpha 1 chain; minus strand). Cytogenetic location: 13q34.
Variant type: single nucleotide variant.
Coding change: c.343G>A on transcript NM_001845.6 (MANE Select); coding-DNA position 343, G replaced by A.
Protein change: p.Gly115Ser; replaces glycine 115 with serine.
Molecular consequence: missense variant.
Genome position (GRCh38, 1-based): chr13:110,212,461, C>T on the plus strand (G>A on the coding strand, the complement: COL4A1 is on the minus strand). VCF-style: chr13-110212461-C-T. GRCh37 (hg19) VCF-style: chr13-110864808-C-T.
Other names: c.343G>A, p.Gly115Ser (NM_001303110.2); c.343G>A (NM_001845.4); short protein forms G115S.
Identifiers: ClinVar variation 2158622 (VCV002158622.32), dbSNP rs753989899, ClinGen allele CA7048553.

ClinVar aggregate classification (germline): Conflicting classifications of pathogenicity. Review status: criteria provided, conflicting classifications (1 of 4 stars). 6 submissions from 6 submitters: Likely pathogenic (1); Uncertain significance (5). Last evaluated 2026-01-17.

Conditions:
Autosomal dominant familial hematuria-retinal arteriolar tortuosity-contractures syndrome. Also called: Angiopathy, hereditary, with nephropathy, aneurysms, and muscle cramps; Hereditary Angiopathy with Nephropathy, Aneurysms, and Muscle Cramps (HANAC) Syndrome. Identifiers: Orphanet 73229, MedGen C2673195, MONDO:0012726, OMIM 611773.
Brain small vessel disease 1 with or without ocular anomalies (BSVD1). Also called: PORENCEPHALY, TYPE 1, AUTOSOMAL DOMINANT; Brain small vessel disease with or without ocular anomalies; BRAIN SMALL VESSEL DISEASE WITH HEMORRHAGE; GOULD SYNDROME 1. Identifiers: Orphanet 2940, Orphanet 36383, Orphanet 99810, MedGen C4755307, MONDO:0008289, OMIM 175780.
Retinal arterial tortuosity. Also called: RETINAL HEMORRHAGE WITH VASCULAR TORTUOSITY; Retinal arteries, tortuosity of. Identifiers: Orphanet 75326, MedGen C0423401, MONDO:0008373, OMIM 180000, HP:0000631.
Microangiopathy and leukoencephalopathy, pontine, autosomal dominant. Also called: Pontine autosomal dominant microangiopathy with leukoencephalopathy; DEMENTIA, HEREDITARY MULTI-INFARCT, SWEDISH TYPE. Identifiers: Orphanet 477749, MedGen C5231411, MONDO:0032814, OMIM 618564.
Hemorrhage, intracerebral, susceptibility to (ICH). Also called: Stroke, hemorrhagic, susceptibility to. Identifiers: MedGen C3281105, MONDO:0100533, OMIM 614519.

Allele frequency attached by ClinVar (database versions not stated): ExAC 0.00002; gnomAD exomes 0.00002; gnomAD 0.00003; TOPMed 0.00003.
gnomAD v4.1: 31 of 1,613,960 alleles (0.0019%); highest among the groups gnomAD compares: African/African-American, 0.0027%; no homozygotes.

Submissions (6):

Labcorp Genetics (formerly Invitae), Labcorp
Classification: Likely pathogenic. Last evaluated: 2026-01-17. Review status: criteria provided, single submitter. Criteria: Invitae Variant Classification Sherloc (09022015). Collection method: clinical testing. Allele origin: germline.
Comment: This sequence change replaces glycine, which is neutral and non-polar, with serine, which is neutral and polar, at codon 115 of the COL4A1 protein (p.Gly115Ser). This variant is present in population databases (rs753989899, gnomAD 0.003%). This variant has not been reported in the literature in individuals affected with COL4A1-related conditions. ClinVar contains an entry for this variant (Variation ID: 2158622). Invitae Evidence Modeling of protein sequence and biophysical properties (such as structural, functional, and spatial information, amino acid conservation, physicochemical variation, residue mobility, and thermodynamic stability) indicates that this missense variant is expected to disrupt COL4A1 protein function with a positive predictive value of 95%. This variant disrupts the triple helix domain of COL4A1. Glycine residues within the Gly-Xaa-Yaa repeats of the triple helix domain are required for the structure and stability of fibrillar collagens (PMID: 7695699, 8218237, 19344236). In COL4A1 variants affecting these glycine residues are significantly enriched in individuals with disease (PMID: 9016532, 17078022) compared to the general population (ExAC). In summary, the currently available evidence indicates that the variant is pathogenic, but additional data are needed to prove that conclusively. Therefore, this variant has been classified as Likely Pathogenic.

CeGaT Center for Human Genetics Tuebingen
Classification: Uncertain significance. Last evaluated: 2025-02-01. Review status: criteria provided, single submitter. Criteria: CeGaT Center For Human Genetics Tuebingen Variant Classification Criteria Version 2. Collection method: clinical testing. Allele origin: germline. Affected: yes. Observed: 2 variant alleles.
Comment: COL4A1: PM1:Strong, PP3

Molecular Genetics, Royal Melbourne Hospital
Classification: Uncertain significance for Autosomal dominant familial hematuria-retinal arteriolar tortuosity-contractures syndrome. Last evaluated: 2024-08-05. Review status: criteria provided, single submitter. Criteria: ACMG Guidelines, 2015. Collection method: clinical testing. Allele origin: germline. Inheritance: Autosomal dominant inheritance.
Comment: This sequence change in COL4A1 is predicted to replace glycine with serine at codon 115, p.(Gly115Ser). The glycine residue is highly conserved (100 vertebrates, Multiz Alignments), and is a glycine-altering variant that alters a critical glycine residue in a collagen triple helix repeat (Gly-X-Y) in the alpha-IV collagenous domain. Glycine substitutions within this functional domain have a well-established pathogenic dominant-negative effect (PMID: 20301386). There is a small physicochemical difference between glycine and serine. The highest population minor allele frequency in the population database gnomAD v4.1 is 0.003% (2/74,868 alleles) in the African-American population. To our knowledge, this variant has not been previously reported in the relevant scientific literature and has conflicting classifications in ClinVar (ID: 2158622). Computational evidence predicts a deleterious effect for the missense substitution (REVEL = 0.963). Based on the classification scheme RMH Modified ACMG/AMP Guidelines v1.7.0, this variant is classified as a VARIANT OF UNCERTAIN SIGNIFICANCE. Following criteria are met: PM1, PM2_Supporting, PP3_Moderate

Fulgent Genetics
Classification: Uncertain significance for Brain small vessel disease 1 with or without ocular anomalies; Retinal arterial tortuosity; Autosomal dominant familial hematuria-retinal arteriolar tortuosity-contractures syndrome; Hemorrhage, intracerebral, susceptibility to; Microangiopathy and leukoencephalopathy, pontine, autosomal dominant. Last evaluated: 2024-03-07. Review status: criteria provided, single submitter. Criteria: ACMG Guidelines, 2015. Collection method: clinical testing. Allele origin: germline.

GeneDx
Classification: Uncertain significance. Last evaluated: 2023-12-27. Review status: criteria provided, single submitter. Criteria: GeneDx Variant Classification Process June 2021. Collection method: clinical testing. Allele origin: germline. Affected: yes.
Comment: In silico analysis supports that this missense variant has a deleterious effect on protein structure/function; Has not been previously published as pathogenic or benign to our knowledge

New York Genome Center
Classification: Uncertain significance for Autosomal dominant familial hematuria-retinal arteriolar tortuosity-contractures syndrome; Brain small vessel disease 1 with or without ocular anomalies; Microangiopathy and leukoencephalopathy, pontine, autosomal dominant; Retinal arterial tortuosity. Last evaluated: 2023-08-23. Review status: criteria provided, single submitter. Criteria: NYGC Assertion Criteria 2020. Collection method: clinical testing. Allele origin: inherited. Observed: 1 heterozygote.
Comment: The inherited c.343G>A, p.(Gly115Ser) variant identified in the COL4A1 gene is a single nucleotide variant that results in the substitution of a well conserved Glycine for Serine at amino acid 115/1670 (exon 6/52) within a Gly-X-Y repeat of the triple-helical region (InterPro:P02462). This variant is found with low frequency in population databases (28 heterozygotes, allele frequency=2.95e-5; gnomADv2.1.1, gnomADv3.1.2, BRAVO-TOPMed, All of Us) suggesting it is not a common benign variant in the populations represented in those databases. In silico algorithms predict this variant to be deleterious to the function of the canonical transcript (REVEL; score=0.96). The c.343G>A, p.(Gly115Ser) variant is reported in ClinVar as Likely Pathogenic (VarID:2158622) and to our current knowledge has not been reported in affected individuals in the literature. Given the available evidence, the inherited c.343G>A, p.(Gly115Ser) variant identified in the COL4A1 gene is reported as a Variant of Uncertain Significance.

Literature cited by the submitters: PubMed 7695699 (cited by Labcorp Genetics (formerly Invitae), Labcorp); PubMed 8218237 (cited by Labcorp Genetics (formerly Invitae), Labcorp); PubMed 19344236 (cited by Labcorp Genetics (formerly Invitae), Labcorp); PubMed 9016532 (cited by Labcorp Genetics (formerly Invitae), Labcorp); PubMed 17078022 (cited by Labcorp Genetics (formerly Invitae), Labcorp); PubMed 20301386 (cited by Molecular Genetics, Royal Melbourne Hospital).